The following is an entry in ClinVar:

NM_000535.7(PMS2):c.202G>C (p.Val68Leu)

Gene: PMS2 (PMS1 homolog 2, mismatch repair system component; minus strand). Cytogenetic location: 7p22.1.
Variant type: single nucleotide variant.
Coding change: c.202G>C on transcript NM_000535.7 (MANE Select); coding-DNA position 202, G replaced by C.
Protein change: p.Val68Leu; replaces valine 68 with leucine.
Molecular consequence: missense variant. On other transcripts: 5 prime UTR variant (44), non-coding transcript variant (1), intron variant (1).
Genome position (GRCh38, 1-based): chr7:6,004,020, C>G on the plus strand (G>C on the coding strand, the complement: PMS2 is on the minus strand). VCF-style: chr7-6004020-C-G. GRCh37 (hg19) VCF-style: chr7-6043651-C-G.
Other names: c.-151G>C (NM_001406888.1, NM_001406889.1, NM_001406892.1 and 6 more transcripts); c.-194G>C (NM_001406890.1); c.-204G>C (NM_001406891.1, NM_001406893.1, NM_001406897.1 and 13 more transcripts); c.-180G>C (NM_001406900.1, NM_001406881.1); c.-14G>C (NM_001406901.1, NM_001406902.1, NM_001406903.1 and 4 more transcripts); c.202G>C, p.Val68Leu (NM_001406912.1, NM_001322006.2, NM_001322014.2 and 10 more transcripts); c.-52-1384G>C (NM_001406896.1); c.-683G>C (NM_001322011.2, NM_001322012.2); and 3 more; short protein forms V130L, V68L.
Identifiers: ClinVar variation 4667675 (VCV004667675.1).

ClinVar aggregate classification (germline): Uncertain significance (1 of 4 stars; one submission).

Conditions:
Hereditary cancer-predisposing syndrome. Also called: Neoplastic Syndromes, Hereditary; Tumor predisposition; Hereditary Cancer Syndrome; Hereditary neoplastic syndrome. Identifiers: Orphanet 140162, MedGen C0027672, MeSH D009386, MONDO:0015356.

Submission:

Ambry Genetics
Classification: Uncertain significance for Hereditary cancer-predisposing syndrome. Last evaluated: 2025-11-23. Review status: criteria provided, single submitter. Criteria: Ambry Variant Classification Scheme 2023. Collection method: clinical testing. Allele origin: germline.
Comment: The p.V68L variant (also known as c.202G>C), located in coding exon 3 of the PMS2 gene, results from a G to C substitution at nucleotide position 202. The valine at codon 68 is replaced by leucine, an amino acid with highly similar properties. This amino acid position is conserved. In addition, this alteration is predicted to be deleterious by in silico analysis. Based on the available evidence, the clinical significance of this variant remains unclear.